The following is an entry in ClinVar:

NM_016222.4(DDX41):c.572-1G>A

Gene: DDX41 (DEAD-box helicase 41; minus strand). Cytogenetic location: 5q35.3.
Variant type: single nucleotide variant.
Coding change: c.572-1G>A on transcript NM_016222.4 (MANE Select); the canonical splice acceptor site of the intron before coding-DNA position 572, G replaced by A.
Molecular consequence: splice acceptor variant.
Genome position (GRCh38, 1-based): chr5:177,515,259, C>T on the plus strand (G>A on the coding strand, the complement: DDX41 is on the minus strand). VCF-style: chr5-177515259-C-T. GRCh37 (hg19) VCF-style: chr5-176942260-C-T.
Other names: c.194-1G>A (NM_001321830.2, NM_001321732.2).
Identifiers: ClinVar variation 450084 (VCV000450084.3), dbSNP rs1554111533, ClinGen allele CA362375780.

ClinVar aggregate classification (germline): Pathogenic/Likely pathogenic. Review status: criteria provided, multiple submitters, no conflicts (2 of 4 stars). 2 submissions from 2 submitters: Pathogenic (1); Likely pathogenic (1). Last evaluated 2025-03-31.

Conditions:
Inborn genetic diseases. Identifiers: MedGen C0950123, MeSH D030342.

Allele frequency attached by ClinVar (database versions not stated): gnomAD exomes below 0.00001.
gnomAD v4.1: 1 of 1,613,994 alleles (0.000062%); highest among the groups gnomAD compares: Non-Finnish European, 0.000085%; no homozygotes.

Submissions (2):

Ambry Genetics
Classification: Likely pathogenic for Inborn genetic diseases. Last evaluated: 2025-03-31. Review status: criteria provided, single submitter. Criteria: Ambry Variant Classification Scheme 2023. Collection method: clinical testing. Allele origin: germline.
Comment: The c.572-1G>A intronic variant results from a G to A substitution one nucleotide upstream from coding exon 7 of the DDX41 gene. Alterations that disrupt the canonical splice site are expected to cause aberrant splicing, resulting in an abnormal protein or a transcript that is subject to nonsense-mediated mRNA decay. In silico splice site analysis predicts that this alteration will weaken the native splice acceptor site. This nucleotide position is highly conserved in available vertebrate species. This variant is considered to be rare based on population cohorts in the Genome Aggregation Database (gnomAD). Based on the majority of available evidence to date, this variant is likely to be pathogenic.

GeneDx
Classification: Pathogenic. Last evaluated: 2017-06-29. Review status: criteria provided, single submitter. Criteria: GeneDx Variant Classification (06012015). Collection method: clinical testing. Allele origin: germline. Affected: yes.
Comment: The c.572-1G>A variant in the DDX41 gene has not been reported previously as a pathogenic variant nor as a benign variant, to our knowledge. This splice site variant destroys the canonical splice acceptor site in intron 6. It is predicted to cause abnormal gene splicing, either leading to an abnormal message that is subject to nonsense-mediated mRNA decay, or to an abnormal protein product if the message is used for protein translation. The c.572-1G>A variant is not observed in large population cohorts (Lek et al., 2016; 1000 Genomes Consortium et al., 2015; Exome Variant Server). We interpret c.572-1G>A as a pathogenic variant.